The following is an entry in ClinVar:

NC_000009.11:g.(?_130587069)_(130592116_?)dup

Gene: ENG (endoglin; minus strand). Cytogenetic location: 9q34.11.
Variant type: Duplication.
Identifiers: ClinVar variation 2422379 (VCV002422379.5).

ClinVar aggregate classification (germline): Likely pathogenic (1 of 4 stars; one submission).

Conditions:
Hereditary hemorrhagic telangiectasia (HHT). Also called: ORW DISEASE; Osler Weber Rendu syndrome; OSLER-RENDU-WEBER DISEASE; Osler hemorrhagic telangiectasia syndrome. Identifiers: Orphanet 774, MedGen C0039445, MONDO:0019180. Disease mechanism: loss of function.

Submission:

Labcorp Genetics (formerly Invitae), Labcorp
Classification: Likely pathogenic for Hereditary hemorrhagic telangiectasia. Last evaluated: 2022-09-30. Review status: criteria provided, single submitter. Criteria: Invitae Variant Classification Sherloc (09022015). Collection method: clinical testing. Allele origin: germline.
Comment: This variant results in a copy number gain of the genomic region encompassing exon(s) 3-7 of the ENG gene. While the exact position of this variant cannot be determined from the data, sub-genic copy number gains are generally in tandem (PMID: 25640679). This variant is predicted to be out-of-frame, and may result in an absent or disrupted protein product. Loss-of-function variants in ENG are known to be pathogenic (PMID: 15879500). This variant has not been reported in the literature in individuals affected with ENG-related conditions. In summary, the currently available evidence indicates that the variant is pathogenic, but additional data are needed to prove that conclusively. Therefore, this variant has been classified as Likely Pathogenic.

Literature cited by the submitters: PubMed 25640679; PubMed 15879500.